The following is an entry in ClinVar:

NM_001868.4(CPA1):c.494G>A (p.Gly165Glu)

Gene: CPA1 (carboxypeptidase A1; plus strand). Cytogenetic location: 7q32.2.
Variant type: single nucleotide variant.
Coding change: c.494G>A on transcript NM_001868.4 (MANE Select); coding-DNA position 494, G replaced by A.
Protein change: p.Gly165Glu; replaces glycine 165 with glutamic acid.
Molecular consequence: missense variant.
Genome position (GRCh38, 1-based): chr7:130,383,401, G>A. VCF-style: chr7-130383401-G-A. GRCh37 (hg19) VCF-style: chr7-130023242-G-A.
Other names: c.494G>A (NM_001868.2); short protein forms G165E.
Identifiers: ClinVar variation 1466490 (VCV001466490.9), dbSNP rs200317425, ClinGen allele CA369282133.

ClinVar aggregate classification (germline): Uncertain significance. Review status: criteria provided, multiple submitters, no conflicts (2 of 4 stars). 2 submissions from 2 submitters: Uncertain significance (2). Last evaluated 2023-11-15.

Conditions:
Hereditary pancreatitis (PCTT). Also called: PRSS1-Related Hereditary Pancreatitis; Hereditary chronic pancreatitis. Identifiers: Orphanet 676, MedGen C0238339, MONDO:0008185, OMIM 167800.

gnomAD v4.1: 9 of 1,614,052 alleles (0.00056%); highest among the groups gnomAD compares: Middle Eastern, 0.016%; no homozygotes.

Submissions (2):

Ambry Genetics
Classification: Uncertain significance for Hereditary pancreatitis. Last evaluated: 2023-11-15. Review status: criteria provided, single submitter. Criteria: Ambry Variant Classification Scheme 2023. Collection method: clinical testing. Allele origin: germline.
Comment: The p.G165E variant (also known as c.494G>A), located in coding exon 5 of the CPA1 gene, results from a G to A substitution at nucleotide position 494. The glycine at codon 165 is replaced by glutamic acid, an amino acid with similar properties. This amino acid position is conserved. In addition, the in silico prediction for this alteration is inconclusive. Since supporting evidence is limited at this time, the clinical significance of this alteration remains unclear.

Labcorp Genetics (formerly Invitae), Labcorp
Classification: Uncertain significance. Last evaluated: 2022-07-21. Review status: criteria provided, single submitter. Criteria: Invitae Variant Classification Sherloc (09022015). Collection method: clinical testing. Allele origin: germline.
Comment: This sequence change replaces glycine, which is neutral and non-polar, with glutamic acid, which is acidic and polar, at codon 165 of the CPA1 protein (p.Gly165Glu). Algorithms developed to predict the effect of missense changes on protein structure and function are either unavailable or do not agree on the potential impact of this missense change (SIFT: "Deleterious"; PolyPhen-2: "Probably Damaging"; Align-GVGD: "Class C0"). In summary, the available evidence is currently insufficient to determine the role of this variant in disease. Therefore, it has been classified as a Variant of Uncertain Significance. ClinVar contains an entry for this variant (Variation ID: 1466490). This variant has not been reported in the literature in individuals affected with CPA1-related conditions. This variant is present in population databases (no rsID available, gnomAD 0.003%).